The following is an entry in ClinVar:

ClinVar aggregate classification (germline): Likely benign. Review status: criteria provided, multiple submitters, no conflicts (2 of 4 stars). 4 submissions from 4 submitters: Likely benign (3). 1 of the submissions does not count toward it. Last evaluated 2025-02-16.

Conditions:
DARS2-related disorder. Also called: DARS2-related condition.

Allele frequency attached by ClinVar (database versions not stated): TOPMed 0.00003; ESP Exome Variant Server 0.00008; ExAC 0.00002; gnomAD exomes 0.00002; gnomAD 0.00009.

Submissions (4):

Laboratory of Genetics, Children's Clinical University Hospital Latvia
Classification: Likely benign. Last evaluated: 2025-02-16. Review status: criteria provided, single submitter. Criteria: ACMG Guidelines, 2015. Collection method: clinical testing. Allele origin: germline. Affected: yes.

Labcorp Genetics (formerly Invitae), Labcorp
Classification: Likely benign. Last evaluated: 2024-08-30. Review status: criteria provided, single submitter. Criteria: Invitae Variant Classification Sherloc (09022015). Collection method: clinical testing. Allele origin: germline.

CeGaT Center for Human Genetics Tuebingen
Classification: Likely benign. Last evaluated: 2022-09-01. Review status: criteria provided, single submitter. Criteria: CeGaT Center For Human Genetics Tuebingen Variant Classification Criteria Version 2. Collection method: clinical testing. Allele origin: germline. Affected: yes. Observed: 2 variant alleles.
Comment: DARS2: BP4, BP7

PreventionGenetics, part of Exact Sciences
Classification: Likely benign for DARS2-related condition. Last evaluated: 2021-09-07. Review status: no assertion criteria provided. Collection method: clinical testing. Allele origin: germline. Not counted in ClinVar's aggregate classification.
Comment: This variant is classified as likely benign based on ACMG/AMP sequence variant interpretation guidelines (Richards et al. 2015 PMID: 25741868, with internal and published modifications).

NM_018122.5(DARS2):c.1692C>T (p.Leu564=)

Gene: DARS2 (aspartyl-tRNA synthetase 2, mitochondrial; plus strand). Cytogenetic location: 1q25.1.
Variant type: single nucleotide variant.
Coding change: c.1692C>T on transcript NM_018122.5 (MANE Select); coding-DNA position 1692, C replaced by T.
Protein change: p.Leu564=; no amino-acid change (leucine 564 retained).
Molecular consequence: synonymous variant.
Genome position (GRCh38, 1-based): chr1:173,856,683, C>T. VCF-style: chr1-173856683-C-T. GRCh37 (hg19) VCF-style: chr1-173825821-C-T.
Other names: c.1692C>T (NM_018122.4); c.1539C>T, p.Leu513= (NM_001365212.1).
Identifiers: ClinVar variation 2639566 (VCV002639566.29), dbSNP rs149088787, ClinGen allele CA1250500.